The following is an entry in ClinVar:

NM_000256.3(MYBPC3):c.237del (p.Ser78_Tyr79insTer)

Gene: MYBPC3 (myosin binding protein C3; minus strand). Cytogenetic location: 11p11.2.
Variant type: Deletion.
Coding change: c.237del on transcript NM_000256.3 (MANE Select); coding-DNA position 237, one base deleted (C; older notation c.237delC).
Protein change: p.Ser78_Tyr79insTer.
Molecular consequence: nonsense.
Genome position (GRCh38, 1-based): chr11:47,351,294, G deleted on the plus strand (C on the coding strand, the reverse complement: MYBPC3 is on the minus strand). VCF-style (leftmost placement, unchanged base first): chr11-47351293-CG-C. GRCh37 (hg19) VCF-style: chr11-47372844-CG-C.
Other names: c.237delC (NM_000256.3); c.237del, p.Ser78_Tyr79insTer (LRG_386t1).
Identifiers: ClinVar variation 181091 (VCV000181091.11), dbSNP rs730880664, ClinGen allele CA012163.
Genomic context (GRCh38, chr11:47,351,293, plus strand): 5'-TCTTACCTGCCTCTATGACCTTGAGGTCGAACTTGACCTTGGAGGAGCCAGCAATGACTG[CG>C]TAAGATCCCTGGTCGGCAGGGCCCACTTCCCGCACTGTCAGCGTATGCCGTGTGCCCTCT-3'

ClinVar aggregate classification (germline): Pathogenic. Review status: criteria provided, multiple submitters, no conflicts (2 of 4 stars). 3 submissions from 3 submitters: Pathogenic (3). Last evaluated 2025-11-14.

Conditions:
Hypertrophic cardiomyopathy 4. Also called: Familial hypertrophic cardiomyopathy 4. Identifiers: MedGen C1861862, MONDO:0007268, OMIM 115197.
Hypertrophic cardiomyopathy. Also called: HYPERTROPHIC MYOCARDIOPATHY. Identifiers: Orphanet 217569, MedGen C0007194, MeSH D002312, MONDO:0005045, HP:0001639.

Submissions (3):

3billion
Classification: Pathogenic for Hypertrophic cardiomyopathy 4. Last evaluated: 2025-11-14. Review status: criteria provided, single submitter. Criteria: ACMG Guidelines, 2015. Collection method: clinical testing. Allele origin: germline. Affected: yes.
Comment: The variant is not observed in the gnomAD v4.1.0 dataset. Predicted Consequence/Location: Stop-gained (nonsense): predicted to result in a loss or disruption of normal protein function through nonsense-mediated decay (NMD) or protein truncation. Multiple pathogenic variants are reported downstream of the variant. The variant has been reported at least twice as pathogenic without evidence for the classification (ClinVar ID: VCV000181091). Therefore, this variant is classified as Pathogenic according to the recommendation of ACMG/AMP guideline.

Labcorp Genetics (formerly Invitae), Labcorp
Classification: Pathogenic for Hypertrophic cardiomyopathy. Last evaluated: 2022-08-03. Review status: criteria provided, single submitter. Criteria: Invitae Variant Classification Sherloc (09022015). Collection method: clinical testing. Allele origin: germline.
Comment: This sequence change creates a premature translational stop signal (p.Tyr79*) in the MYBPC3 gene. It is expected to result in an absent or disrupted protein product. Loss-of-function variants in MYBPC3 are known to be pathogenic (PMID: 19574547). For these reasons, this variant has been classified as Pathogenic. ClinVar contains an entry for this variant (Variation ID: 181091). A different variant (c.237C>A) giving rise to the same protein effect has been determined to be pathogenic (PMID: 23140321, 24510615). This suggests that this variant is also likely to be causative of disease. This variant is not present in population databases (gnomAD no frequency).

GeneDx
Classification: Pathogenic. Last evaluated: 2016-03-30. Review status: criteria provided, single submitter. Criteria: GeneDx Variant Classification (06012015). Collection method: clinical testing. Allele origin: germline. Affected: yes.
Comment: The c.237delC mutation in MYBPC3 causes a shift in reading frame at codon Tyrosine 79, changing it to a premature Stop codon (Tyr79Stop). Although this mutation has not been reported previously to our knowledge, it is expected to result in an abnormal, truncated protein or in absence of protein from this allele due to mRNA decay. Also, this mutation was not observed in approximately 6,500 individuals of European and African American ancestry in the NHLBI Exome Sequencing Project, indicating it is not a common benign variant in these populations. Additionally, a nucleotide substitution affecting this same residue (c.269 C>G) that also leads to the protein change Tyr79Stop has been reported in individuals with a severe presentation of HCM (Garcia-Pavia P et al., 2007).

Literature cited by the submitters: PubMed 19574547 (cited by Labcorp Genetics (formerly Invitae), Labcorp); PubMed 23140321 (cited by Labcorp Genetics (formerly Invitae), Labcorp); PubMed 24510615 (cited by Labcorp Genetics (formerly Invitae), Labcorp).